The following is an entry in ClinVar:

ClinVar aggregate classification (germline): Pathogenic (1 of 4 stars; one submission).

Conditions:
Inborn genetic diseases. Identifiers: MedGen C0950123, MeSH D030342.

Submission:

Ambry Genetics
Classification: Pathogenic for Inborn genetic diseases. Last evaluated: 2025-10-22. Review status: criteria provided, single submitter. Criteria: Ambry Variant Classification Scheme 2023. Collection method: clinical testing. Allele origin: germline.
Comment: The c.940G>T (p.E314*) alteration, located in exon 9 (coding exon 9) of the CAMTA1 gene, consists of a G to T substitution at nucleotide position 940. This changes the amino acid from a glutamic acid (E) to a stop codon at amino acid position 314. This alteration is expected to result in loss of function by premature protein truncation or nonsense-mediated mRNA decay. This variant was not reported in population-based cohorts in the Genome Aggregation Database (gnomAD). Based on the available evidence, this alteration is classified as pathogenic.

NM_015215.4(CAMTA1):c.940G>T (p.Glu314Ter)

Gene: CAMTA1 (calmodulin binding transcription activator 1; plus strand). Cytogenetic location: 1p36.23.
Variant type: single nucleotide variant.
Coding change: c.940G>T on transcript NM_015215.4 (MANE Select); coding-DNA position 940, G replaced by T.
Protein change: p.Glu314Ter; replaces glutamic acid 314 with a stop codon.
Molecular consequence: nonsense.
Genome position (GRCh38, 1-based): chr1:7,663,487, G>T. VCF-style: chr1-7663487-G-T. GRCh37 (hg19) VCF-style: chr1-7723547-G-T.
Other names: c.850G>T, p.Glu284Ter (NM_001349608.2, NM_001349612.2); c.940G>T, p.Glu314Ter (NM_001349609.2, NM_001349610.2, NM_001410737.1); c.868G>T, p.Glu290Ter (NM_001410738.1); short protein forms E284*, E314*, E290*.
Identifiers: ClinVar variation 4604864 (VCV004604864.1).